The following is an entry in ClinVar:

ClinVar aggregate classification (germline): Uncertain significance (1 of 4 stars; one submission).

Conditions:
Nephronophthisis. Also called: Juvenile Nephronophthisis. Identifiers: Orphanet 655, MedGen C0687120, MONDO:0019005, HP:0000090.

Allele frequency attached by ClinVar (database versions not stated): gnomAD exomes below 0.00001.
gnomAD v4.1: 1 of 1,611,482 alleles (0.000062%); highest among the groups gnomAD compares: Non-Finnish European, 0.000085%; no homozygotes.

Submission:

Labcorp Genetics (formerly Invitae), Labcorp
Classification: Uncertain significance for Nephronophthisis. Last evaluated: 2022-06-13. Review status: criteria provided, single submitter. Criteria: Invitae Variant Classification Sherloc (09022015). Collection method: clinical testing. Allele origin: germline.
Comment: In summary, the available evidence is currently insufficient to determine the role of this variant in disease. Therefore, it has been classified as a Variant of Uncertain Significance. Algorithms developed to predict the effect of missense changes on protein structure and function (SIFT, PolyPhen-2, Align-GVGD) all suggest that this variant is likely to be disruptive. ClinVar contains an entry for this variant (Variation ID: 1051483). This variant has not been reported in the literature in individuals affected with NPHP3-related conditions. This variant is not present in population databases (gnomAD no frequency). This sequence change replaces leucine, which is neutral and non-polar, with proline, which is neutral and non-polar, at codon 638 of the NPHP3 protein (p.Leu638Pro).

NM_153240.5(NPHP3):c.1913T>C (p.Leu638Pro)

Genes: NPHP3 (nephrocystin 3; minus strand), NPHP3-ACAD11 (NPHP3-ACAD11 readthrough (NMD candidate); minus strand). Cytogenetic location: 3q22.1.
Variant type: single nucleotide variant.
Coding change: c.1913T>C on transcript NM_153240.5 (MANE Select); coding-DNA position 1913, T replaced by C.
Protein change: p.Leu638Pro; replaces leucine 638 with proline.
Molecular consequence: missense variant.
Genome position (GRCh38, 1-based): chr3:132,699,425, A>G on the plus strand (T>C on the coding strand, the complement: NPHP3 is on the minus strand). VCF-style: chr3-132699425-A-G. GRCh37 (hg19) VCF-style: chr3-132418269-A-G.
Other names: short protein forms L638P.
Identifiers: ClinVar variation 1051483 (VCV001051483.10), dbSNP rs2107980092, ClinGen allele CA354582514.